The following is an entry in ClinVar:

NM_000049.4(ASPA):c.691T>C (p.Tyr231His)

Genes: ASPA (aspartoacylase; plus strand), SPATA22 (spermatogenesis associated 22; minus strand). Cytogenetic location: 17p13.2.
Variant type: single nucleotide variant.
Coding change: c.691T>C on transcript NM_000049.4 (MANE Select); coding-DNA position 691, T replaced by C.
Protein change: p.Tyr231His; replaces tyrosine 231 with histidine.
Molecular consequence: missense variant. On other transcripts: intron variant (2).
Genome position (GRCh38, 1-based): chr17:3,494,406, T>C. VCF-style: chr17-3494406-T-C. GRCh37 (hg19) VCF-style: chr17-3397700-T-C.
Other names: c.691T>C, p.Tyr231His (NM_001128085.1); c.-74+19006A>G (NM_001321336.2, NM_001321337.2); short protein forms Y231H.
Identifiers: ClinVar variation 2129207 (VCV002129207.4), dbSNP rs778203652, ClinGen allele CA8289011.
Genomic context (GRCh38, chr17:3,494,406, plus strand): 5'-ATAGGAAAAGAATTTCCTCCCTGCGCCATTGAGGTCTATAAAATTATAGAGAAAGTTGAT[T>C]ACCCCCGGGATGAAAATGGAGAAATTGCTGCTATCATCCATCCTAATCTGCAGGTAACAT-3'
Protein context (NP_000040.1, residues 221-241): EVYKIIEKVD[Tyr231His]PRDENGEIAA

ClinVar aggregate classification (germline): Likely pathogenic (1 of 4 stars; one submission).

Conditions:
Spongy degeneration of central nervous system. Also called: ACY2 DEFICIENCY; AMINOACYLASE 2 DEFICIENCY; ASP DEFICIENCY; ASPA DEFICIENCY; ASPARTOACYLASE DEFICIENCY; CANAVAN-VAN BOGAERT-BERTRAND DISEASE. Identifiers: Orphanet 141, MedGen C0206307, MONDO:0010079, OMIM 271900.

Allele frequency attached by ClinVar (database versions not stated): ExAC 0.00002; gnomAD exomes below 0.00001.
gnomAD v4.1: 3 of 1,613,362 alleles (0.00019%); highest among the groups gnomAD compares: South Asian, 0.0033%; no homozygotes.

Submission:

Labcorp Genetics (formerly Invitae), Labcorp
Classification: Likely pathogenic for Spongy degeneration of central nervous system. Last evaluated: 2023-08-29. Review status: criteria provided, single submitter. Criteria: Invitae Variant Classification Sherloc (09022015). Collection method: clinical testing. Allele origin: germline.
Comment: ClinVar contains an entry for this variant (Variation ID: 2129207). This variant disrupts the p.Tyr231 amino acid residue in ASPA. Other variant(s) that disrupt this residue have been determined to be pathogenic (PMID: 10564886, 22850825). This suggests that this residue is clinically significant, and that variants that disrupt this residue are likely to be disease-causing. This variant has not been reported in the literature in individuals affected with ASPA-related conditions. This variant is present in population databases (rs778203652, gnomAD 0.006%). This sequence change replaces tyrosine, which is neutral and polar, with histidine, which is basic and polar, at codon 231 of the ASPA protein (p.Tyr231His). Advanced modeling of protein sequence and biophysical properties (such as structural, functional, and spatial information, amino acid conservation, physicochemical variation, residue mobility, and thermodynamic stability) performed at Invitae indicates that this missense variant is expected to disrupt ASPA protein function. In summary, the currently available evidence indicates that the variant is pathogenic, but additional data are needed to prove that conclusively. Therefore, this variant has been classified as Likely Pathogenic.

Literature cited by the submitters: PubMed 10564886; PubMed 22850825.